The following is an entry in ClinVar:

ClinVar aggregate classification (germline): Conflicting classifications of pathogenicity. Review status: criteria provided, conflicting classifications (1 of 4 stars). 7 submissions from 7 submitters: Pathogenic (1); Uncertain significance (6). Last evaluated 2026-04-16.

Conditions:
Cardiovascular phenotype. Identifiers: MedGen CN230736.
Cardiomyopathy (CMYO). Also called: Cardiomyopathies. Identifiers: Orphanet 167848, MedGen C0878544, MONDO:0004994, HP:0001638. Inheritance: Various modes of inheritance.
Hypertrophic cardiomyopathy. Also called: HYPERTROPHIC MYOCARDIOPATHY. Identifiers: Orphanet 217569, MedGen C0007194, MeSH D002312, MONDO:0005045, HP:0001639.

Allele frequency attached by ClinVar (database versions not stated): TOPMed 0.00001; gnomAD 0.00001; gnomAD exomes 0.00001; ExAC 0.00001.
gnomAD v4.1: 9 of 1,614,104 alleles (0.00056%); highest among the groups gnomAD compares: East Asian, 0.0022%; no homozygotes.

Submissions (7):

GeneDx
Classification: Uncertain significance. Last evaluated: 2026-04-16. Review status: criteria provided, single submitter. Criteria: GeneDx Variant Classification Process June 2021. Collection method: clinical testing. Allele origin: germline.
Comment: Not observed at significant frequency in large population cohorts (gnomAD); In silico analysis suggests that this missense variant does not alter protein structure/function; This variant is associated with the following publications: (PMID: 34542152, Rippert2023[article], 32746448, 40225148)

Labcorp Genetics (formerly Invitae), Labcorp
Classification: Pathogenic for Hypertrophic cardiomyopathy. Last evaluated: 2025-10-27. Review status: criteria provided, single submitter. Criteria: Invitae Variant Classification Sherloc (09022015). Collection method: clinical testing. Allele origin: germline.
Comment: This sequence change replaces arginine, which is basic and polar, with glutamine, which is neutral and polar, at codon 1921 of the MYH7 protein (p.Arg1921Gln). This variant is present in population databases (rs397516256, gnomAD 0.003%). This missense change has been observed in individuals with autosomal dominant dilated cardiomyopathy (PMID: 32746448; internal data). ClinVar contains an entry for this variant (Variation ID: 43090). Invitae Evidence Modeling of protein sequence and biophysical properties (such as structural, functional, and spatial information, amino acid conservation, physicochemical variation, residue mobility, and thermodynamic stability) indicates that this missense variant is expected to disrupt MYH7 protein function with a positive predictive value of 95%. For these reasons, this variant has been classified as Pathogenic.

Women's Health and Genetics/Laboratory Corporation of America, LabCorp
Classification: Uncertain significance. Last evaluated: 2025-03-17. Review status: criteria provided, single submitter. Criteria: LabCorp Variant Classification Summary - May 2015. Collection method: clinical testing. Allele origin: germline.
Comment: Variant summary: MYH7 c.5762G>A (p.Arg1921Gln) results in a conservative amino acid change in the encoded protein sequence. Four of five in-silico tools predict a damaging effect of the variant on protein function. The variant allele was found at a frequency of 1.2e-05 in 251356 control chromosomes (gnomAD). c.5762G>A has been reported in the literature in individuals affected with Cardiomyopathy (Burstein_2021, Labcorp Genetics (formerly Invitae)). These data indicate that the variant may be associated with disease. To our knowledge, no experimental evidence demonstrating an impact on protein function has been reported. The following publication has been ascertained in the context of this evaluation (PMID: 32746448). ClinVar contains an entry for this variant (Variation ID: 43090). Based on the evidence outlined above, the variant was classified as VUS-possibly pathogenic.

All of Us Research Program, National Institutes of Health
Classification: Uncertain significance for Cardiomyopathy. Last evaluated: 2024-07-20. Review status: criteria provided, single submitter. Criteria: ACMG Guidelines, 2015. Collection method: clinical testing. Allele origin: germline. Inheritance: Autosomal dominant inheritance. Observed: 3 variant alleles, 3 heterozygotes.
Comment: This missense variant replaces arginine with glutamine at codon 1921 of the MYH7 protein. Computational prediction is inconclusive regarding the impact of this variant on protein structure and function (internally defined REVEL score threshold 0.5 < inconclusive < 0.7, PMID: 27666373). To our knowledge, functional studies have not been reported for this variant. This variant has been reported in an individual affected with dilated cardiomyopathy (PMID: 32746448). This variant has been identified in 4/282754 chromosomes in the general population by the Genome Aggregation Database (gnomAD). The available evidence is insufficient to determine the role of this variant in disease conclusively. Therefore, this variant is classified as a Variant of Uncertain Significance.

This study involves interpretation of variants in research participants for the purpose of population health screening. Participant phenotype was not available at the time of variant classification. Additional details can be found in publication PMID: 35346344, PMCID: PMC8962531

Color Diagnostics, LLC DBA Color Health
Classification: Uncertain significance for Cardiomyopathy. Last evaluated: 2024-07-03. Review status: criteria provided, single submitter. Criteria: ACMG Guidelines, 2015. Collection method: clinical testing. Allele origin: germline.
Comment: This missense variant replaces arginine with glutamine at codon 1921 of the MYH7 protein. Computational prediction tools indicate that this variant's impact on protein structure and function is inconclusive. To our knowledge, functional studies have not been reported for this variant. This variant has been reported in an individual affected with dilated cardiomyopathy (PMID: 32746448). This variant has been identified in 4/282754 chromosomes in the general population by the Genome Aggregation Database (gnomAD). The available evidence is insufficient to determine the role of this variant in disease conclusively. Therefore, this variant is classified as a Variant of Uncertain Significance.

Ambry Genetics
Classification: Uncertain significance for Cardiovascular phenotype. Last evaluated: 2022-03-03. Review status: criteria provided, single submitter. Criteria: Ambry Variant Classification Scheme 2023. Collection method: clinical testing. Allele origin: germline.

Laboratory for Molecular Medicine, Mass General Brigham Personalized Medicine
Classification: Uncertain significance. Last evaluated: 2014-01-20. Review status: criteria provided, single submitter. Criteria: LMM Criteria. Collection method: clinical testing. Allele origin: germline. Observed: 1 variant allele.
Comment: proposed classification - variant undergoing re-assessment, contact laboratory

Literature cited by the submitters: PubMed 32746448 (cited by 4 submitters).

NM_000257.4(MYH7):c.5762G>A (p.Arg1921Gln)

Gene: MYH7 (myosin heavy chain 7; minus strand). Cytogenetic location: 14q11.2.
Variant type: single nucleotide variant.
Coding change: c.5762G>A on transcript NM_000257.4 (MANE Select); coding-DNA position 5762, G replaced by A.
Protein change: p.Arg1921Gln; replaces arginine 1921 with glutamine.
Molecular consequence: missense variant.
Genome position (GRCh38, 1-based): chr14:23,413,787, C>T on the plus strand (G>A on the coding strand, the complement: MYH7 is on the minus strand). VCF-style: chr14-23413787-C-T. GRCh37 (hg19) VCF-style: chr14-23882996-C-T.
Other names: short protein forms R1921Q.
Identifiers: ClinVar variation 43090 (VCV000043090.22), dbSNP rs397516256, ClinGen allele CA016464.